The following is an entry in ClinVar:

NM_002204.4(ITGA3):c.2929G>T (p.Asp977Tyr)

Gene: ITGA3 (integrin subunit alpha 3; plus strand). Cytogenetic location: 17q21.33.
Variant type: single nucleotide variant.
Coding change: c.2929G>T on transcript NM_002204.4 (MANE Select); coding-DNA position 2929, G replaced by T.
Protein change: p.Asp977Tyr; replaces aspartic acid 977 with tyrosine.
Molecular consequence: missense variant.
Genome position (GRCh38, 1-based): chr17:50,087,753, G>T. VCF-style: chr17-50087753-G-T. GRCh37 (hg19) VCF-style: chr17-48165117-G-T.
Other names: short protein forms D977Y.
Identifiers: ClinVar variation 2008095 (VCV002008095.4), dbSNP rs370005722, ClinGen allele CA400194213.

ClinVar aggregate classification (germline): Uncertain significance (1 of 4 stars; one submission).

Submission:

Labcorp Genetics (formerly Invitae), Labcorp
Classification: Uncertain significance. Last evaluated: 2022-06-18. Review status: criteria provided, single submitter. Criteria: Invitae Variant Classification Sherloc (09022015). Collection method: clinical testing. Allele origin: germline.
Comment: This variant is not present in population databases (gnomAD no frequency). In summary, the available evidence is currently insufficient to determine the role of this variant in disease. Therefore, it has been classified as a Variant of Uncertain Significance. Algorithms developed to predict the effect of missense changes on protein structure and function are either unavailable or do not agree on the potential impact of this missense change (SIFT: "Deleterious"; PolyPhen-2: "Benign"; Align-GVGD: "Class C0"). This variant has not been reported in the literature in individuals affected with ITGA3-related conditions. This sequence change replaces aspartic acid, which is acidic and polar, with tyrosine, which is neutral and polar, at codon 977 of the ITGA3 protein (p.Asp977Tyr).